The following is an entry in ClinVar:

ClinVar aggregate classification (germline): Conflicting classifications of pathogenicity. Review status: criteria provided, conflicting classifications (1 of 4 stars). 3 submissions from 3 submitters: Uncertain significance (2); Likely benign (1). Last evaluated 2025-08-07.

Conditions:
Hereditary cancer-predisposing syndrome. Also called: Neoplastic Syndromes, Hereditary; Hereditary neoplastic syndrome; Tumor predisposition; Hereditary Cancer Syndrome. Identifiers: Orphanet 140162, MedGen C0027672, MeSH D009386, MONDO:0015356.
Fanconi anemia complementation group J. Also called: BRIP1-Related Fanconi Anemia. Identifiers: Orphanet 84, MedGen C1836860, MONDO:0012187, OMIM 609054.
Familial cancer of breast. Also called: BREAST CANCER, FAMILIAL; hereditary breast carcinoma; Hereditary breast cancer. Identifiers: Orphanet 227535, MedGen C0346153, MONDO:0016419, OMIM 114480. Disease mechanism: loss of function.

Allele frequency attached by ClinVar (database versions not stated): gnomAD exomes below 0.00001; TOPMed below 0.00001.
gnomAD v4.1: 2 of 1,607,188 alleles (0.00012%); highest among the groups gnomAD compares: Admixed American, 0.0017%; no homozygotes.

Submissions (3):

Labcorp Genetics (formerly Invitae), Labcorp
Classification: Uncertain significance for Familial cancer of breast; Fanconi anemia complementation group J. Last evaluated: 2025-08-07. Review status: criteria provided, single submitter. Criteria: Invitae Variant Classification Sherloc (09022015). Collection method: clinical testing. Allele origin: germline.
Comment: This sequence change falls in intron 8 of the BRIP1 gene. It does not directly change the encoded amino acid sequence of the BRIP1 protein. It affects a nucleotide within the consensus splice site. This variant is present in population databases (no rsID available, gnomAD 0.003%). This variant has not been reported in the literature in individuals affected with BRIP1-related conditions. ClinVar contains an entry for this variant (Variation ID: 530327). Variants that disrupt the consensus splice site are a relatively common cause of aberrant splicing (PMID: 17576681, 9536098). Algorithms developed to predict the effect of sequence changes on RNA splicing suggest that this variant is not likely to affect RNA splicing. In summary, the available evidence is currently insufficient to determine the role of this variant in disease. Therefore, it has been classified as a Variant of Uncertain Significance.

Ambry Genetics
Classification: Uncertain significance for Hereditary cancer-predisposing syndrome. Last evaluated: 2024-08-07. Review status: criteria provided, single submitter. Criteria: Ambry Variant Classification Scheme 2023. Collection method: clinical testing. Allele origin: germline.
Comment: The c.1140+3G>A intronic variant results from a G to A substitution 3 nucleotides after coding exon 7 in the BRIP1 gene. This nucleotide position is not well conserved in available vertebrate species. In silico splice site analysis predicts that this alteration will not have any significant effect on splicing. Based on the available evidence, the clinical significance of this variant remains unclear. Based on the available evidence, the clinical significance of this variant remains unclear.

Myriad Genetics, Inc.
Classification: Likely benign for Familial cancer of breast. Last evaluated: 2023-12-19. Review status: criteria provided, single submitter. Criteria: Myriad Autosomal Dominant, Autosomal Recessive and X-Linked Classification Criteria (2023). Collection method: clinical testing. Allele origin: unknown.
Comment: This variant is considered likely benign. This variant is intronic and is not expected to impact mRNA splicing.

Literature cited by the submitters: PubMed 17576681 (cited by Labcorp Genetics (formerly Invitae), Labcorp); PubMed 9536098 (cited by Labcorp Genetics (formerly Invitae), Labcorp).

NM_032043.3(BRIP1):c.1140+3G>A

Gene: BRIP1 (BRCA1 interacting DNA helicase 1; minus strand). Cytogenetic location: 17q23.2.
Variant type: single nucleotide variant.
Coding change: c.1140+3G>A on transcript NM_032043.3 (MANE Select); 3 bases into the intron after coding-DNA position 1140, G replaced by A.
Molecular consequence: intron variant.
Genome position (GRCh38, 1-based): chr17:61,801,250, C>T on the plus strand (G>A on the coding strand, the complement: BRIP1 is on the minus strand). VCF-style: chr17-61801250-C-T. GRCh37 (hg19) VCF-style: chr17-59878611-C-T.
Identifiers: ClinVar variation 530327 (VCV000530327.12), dbSNP rs1322162359, ClinGen allele CA626807418.